The following is an entry in ClinVar:

NM_006230.4(POLD2):c.347A>G (p.Asn116Ser)

Gene: POLD2 (DNA polymerase delta 2, accessory subunit; minus strand). Cytogenetic location: 7p13.
Variant type: single nucleotide variant.
Coding change: c.347A>G on transcript NM_006230.4 (MANE Select); coding-DNA position 347, A replaced by G.
Protein change: p.Asn116Ser; replaces asparagine 116 with serine.
Molecular consequence: missense variant.
Genome position (GRCh38, 1-based): chr7:44,117,738, T>C on the plus strand (A>G on the coding strand, the complement: POLD2 is on the minus strand). VCF-style: chr7-44117738-T-C. GRCh37 (hg19) VCF-style: chr7-44157337-T-C.
Other names: c.347A>G, p.Asn116Ser (NM_001127218.3, NM_001256879.2); short protein forms N116S.
Identifiers: ClinVar variation 2134215 (VCV002134215.4), dbSNP rs1583564838, ClinGen allele CA367385205.

ClinVar aggregate classification (germline): Uncertain significance (1 of 4 stars; one submission).

Submission:

Labcorp Genetics (formerly Invitae), Labcorp
Classification: Uncertain significance. Last evaluated: 2022-05-05. Review status: criteria provided, single submitter. Criteria: Invitae Variant Classification Sherloc (09022015). Collection method: clinical testing. Allele origin: germline.
Comment: In summary, the available evidence is currently insufficient to determine the role of this variant in disease. Therefore, it has been classified as a Variant of Uncertain Significance. Algorithms developed to predict the effect of sequence changes on RNA splicing suggest that this variant may create or strengthen a splice site. Algorithms developed to predict the effect of missense changes on protein structure and function are either unavailable or do not agree on the potential impact of this missense change (SIFT: "Tolerated"; PolyPhen-2: "Not Available"; Align-GVGD: "Class C0"). This variant has not been reported in the literature in individuals affected with POLD2-related conditions. This variant is not present in population databases (gnomAD no frequency). This sequence change replaces asparagine, which is neutral and polar, with serine, which is neutral and polar, at codon 151 of the POLD2 protein (p.Asn151Ser).